The following is an entry in ClinVar:

NM_004304.5(ALK):c.2633-5C>G

Gene: ALK (ALK receptor tyrosine kinase; minus strand). Cytogenetic location: 2p23.2.
Variant type: single nucleotide variant.
Coding change: c.2633-5C>G on transcript NM_004304.5 (MANE Select); 5 bases into the intron before coding-DNA position 2633, C replaced by G.
Molecular consequence: intron variant.
Genome position (GRCh38, 1-based): chr2:29,229,071, G>C on the plus strand (C>G on the coding strand, the complement: ALK is on the minus strand). VCF-style: chr2-29229071-G-C. GRCh37 (hg19) VCF-style: chr2-29451937-G-C.
Identifiers: ClinVar variation 755287 (VCV000755287.11), dbSNP rs773644242, ClinGen allele CA1594227.

ClinVar aggregate classification (germline): Conflicting classifications of pathogenicity. Review status: criteria provided, conflicting classifications (1 of 4 stars). 2 submissions from 2 submitters: Uncertain significance (1); Likely benign (1). Last evaluated 2025-04-09.

Conditions:
Neuroblastoma, susceptibility to, 3. Also called: ALK-Related Neuroblastic Tumor Susceptibility. Identifiers: Orphanet 635, MedGen C2751681, MONDO:0013083, OMIM 613014.
Hereditary cancer-predisposing syndrome. Also called: Tumor predisposition; Hereditary Cancer Syndrome; Neoplastic Syndromes, Hereditary; Hereditary neoplastic syndrome. Identifiers: Orphanet 140162, MedGen C0027672, MeSH D009386, MONDO:0015356.

Allele frequency attached by ClinVar (database versions not stated): ExAC 0.00001; gnomAD 0.00001.
gnomAD v4.1: 3 of 1,613,666 alleles (0.00019%); highest among the groups gnomAD compares: Non-Finnish European, 0.00025%; no homozygotes.

Submissions (2):

Labcorp Genetics (formerly Invitae), Labcorp
Classification: Likely benign for Neuroblastoma, susceptibility to, 3. Last evaluated: 2025-04-09. Review status: criteria provided, single submitter. Criteria: Invitae Variant Classification Sherloc (09022015). Collection method: clinical testing. Allele origin: germline.

Ambry Genetics
Classification: Uncertain significance for Hereditary cancer-predisposing syndrome. Last evaluated: 2025-01-13. Review status: criteria provided, single submitter. Criteria: Ambry Variant Classification Scheme 2023. Collection method: clinical testing. Allele origin: germline.
Comment: The c.2633-5C>G intronic variant results from a C to G substitution 5 nucleotides upstream from coding exon 16 in the ALK gene. This nucleotide position is poorly conserved in available vertebrate species. In silico splice site analysis predicts that this alteration may weaken the native splice acceptor site. Based on the available evidence, the clinical significance of this variant remains unclear.